The following is an entry in ClinVar:

NM_000128.4(F11):c.1365del (p.Glu456fs)

Gene: F11 (coagulation factor XI; plus strand). Cytogenetic location: 4q35.2.
Variant type: Deletion.
Coding change: c.1365del on transcript NM_000128.4 (MANE Select); coding-DNA position 1365, one base deleted (A; older notation c.1365delA).
Protein change: p.Glu456fs; shifts the reading frame from glutamic acid 456.
Molecular consequence: frameshift variant.
Genome position (GRCh38, 1-based): chr4:186,285,698, A deleted; the last of 4 consecutive A bases (chr4:186,285,695-186,285,698); deleting any one gives the same sequence. VCF-style (leftmost placement, unchanged base first): chr4-186285694-TA-T. GRCh37 (hg19) VCF-style: chr4-187206848-TA-T.
Other names: short protein forms E456fs.
Identifiers: ClinVar variation 1724343 (VCV001724343.2), dbSNP rs2477405583, ClinGen allele CA2580071723.

ClinVar aggregate classification (germline): Likely pathogenic (1 of 4 stars; one submission).

Conditions:
Hereditary factor XI deficiency disease. Also called: Congenital factor XI deficiency; PLASMA THROMBOPLASTIN ANTECEDENT DEFICIENCY; PTA DEFICIENCY; ROSENTHAL SYNDROME. Identifiers: Orphanet 329, MedGen C0015523, MeSH D005173, MONDO:0012897, OMIM 612416.

Submission:

Myriad Genetics, Inc.
Classification: Likely pathogenic for Hereditary factor XI deficiency disease. Last evaluated: 2022-02-07. Review status: criteria provided, single submitter. Criteria: Myriad Women's Health Autosomal Recessive and X-Linked Classification Criteria (2021). Collection method: clinical testing. Allele origin: unknown.
Comment: NM_000128.3(F11):c.1365delA(E456Rfs*11) is expected to be pathogenic in the context of factor XI deficiency. This variant is predicted to lead to an abnormal or absent protein product due to the creation of a premature termination codon in F11, a gene where loss-of-function variants are known to be pathogenic. Please note: this variant was assessed in the context of healthy population screening.